The following is an entry in ClinVar:

NM_001379286.1(ZNF423):c.3176C>T (p.Ala1059Val)

Gene: ZNF423 (zinc finger protein 423; minus strand). Cytogenetic location: 16q12.1.
Variant type: single nucleotide variant.
Coding change: c.3176C>T on transcript NM_001379286.1 (MANE Select); coding-DNA position 3176, C replaced by T.
Protein change: p.Ala1059Val; replaces alanine 1059 with valine.
Molecular consequence: missense variant.
Genome position (GRCh38, 1-based): chr16:49,636,000, G>A on the plus strand (C>T on the coding strand, the complement: ZNF423 is on the minus strand). VCF-style: chr16-49636000-G-A. GRCh37 (hg19) VCF-style: chr16-49669911-G-A.
Other names: c.2972C>T, p.Ala991Val (NM_001271620.2); c.2801C>T, p.Ala934Val (NM_001330533.2); c.3152C>T, p.Ala1051Val (NM_015069.5); c.3152C>T (NM_015069.4); short protein forms A1059V, A934V, A991V, A1051V.
Identifiers: ClinVar variation 944320 (VCV000944320.9), dbSNP rs750497057, ClinGen allele CA8046375.

ClinVar aggregate classification (germline): Uncertain significance. Review status: criteria provided, single submitter (1 of 4 stars). 2 submissions from 2 submitters: Uncertain significance (1). 1 of the submissions does not count toward it. Last evaluated 2024-06-16.

Conditions:
Nephronophthisis 14 (NPHP14). Identifiers: Orphanet 2318, MedGen C3539071, MONDO:0013916, OMIM 614844.
ZNF423-related disorder. Also called: ZNF423-related condition.

Allele frequency attached by ClinVar (database versions not stated): gnomAD 0.00006 and 0.00007; ExAC 0.00009; gnomAD exomes 0.00012.
gnomAD v4.1: 86 of 1,605,226 alleles (0.0054%); highest among the groups gnomAD compares: Middle Eastern, 0.017%; no homozygotes.

Submissions (2):

Labcorp Genetics (formerly Invitae), Labcorp
Classification: Uncertain significance for Nephronophthisis 14. Last evaluated: 2024-06-16. Review status: criteria provided, single submitter. Criteria: Invitae Variant Classification Sherloc (09022015). Collection method: clinical testing. Allele origin: germline.
Comment: This sequence change replaces alanine, which is neutral and non-polar, with valine, which is neutral and non-polar, at codon 1051 of the ZNF423 protein (p.Ala1051Val). This variant is present in population databases (rs750497057, gnomAD 0.09%). This variant has not been reported in the literature in individuals affected with ZNF423-related conditions. ClinVar contains an entry for this variant (Variation ID: 944320). Advanced modeling of protein sequence and biophysical properties (such as structural, functional, and spatial information, amino acid conservation, physicochemical variation, residue mobility, and thermodynamic stability) performed at Invitae indicates that this missense variant is not expected to disrupt ZNF423 protein function with a negative predictive value of 80%. In summary, the available evidence is currently insufficient to determine the role of this variant in disease. Therefore, it has been classified as a Variant of Uncertain Significance.

PreventionGenetics, part of Exact Sciences
Classification: Uncertain significance for ZNF423-related condition. Last evaluated: 2024-04-02. Review status: no assertion criteria provided. Collection method: clinical testing. Allele origin: germline. Not counted in ClinVar's aggregate classification.
Comment: The ZNF423 c.3152C>T variant is predicted to result in the amino acid substitution p.Ala1051Val. To our knowledge, this variant has not been reported in the literature. This variant is reported in 0.10% of alleles in individuals of European (Finnish) descent in gnomAD. Although we suspect that this variant may be benign, at this time, the clinical significance of this variant is uncertain due to the absence of conclusive functional and genetic evidence.